The following is an entry in ClinVar:

NM_020547.3(AMHR2):c.1511G>A (p.Arg504His)

Gene: AMHR2 (anti-Mullerian hormone receptor type 2; plus strand). Cytogenetic location: 12q13.13.
Variant type: single nucleotide variant.
Coding change: c.1511G>A on transcript NM_020547.3 (MANE Select); coding-DNA position 1511, G replaced by A.
Protein change: p.Arg504His; replaces arginine 504 with histidine.
Molecular consequence: missense variant. On other transcripts: 3 prime UTR variant (1).
Genome position (GRCh38, 1-based): chr12:53,431,262, G>A. VCF-style: chr12-53431262-G-A. GRCh37 (hg19) VCF-style: chr12-53825046-G-A.
Other names: c.*70G>A (NM_001164690.2); c.1226G>A, p.Arg409His (NM_001164691.2); short protein forms R409H, R504H.
Identifiers: ClinVar variation 2169571 (VCV002169571.4), dbSNP rs1412432973, ClinGen allele CA385097290.

ClinVar aggregate classification (germline): Likely pathogenic (1 of 4 stars; one submission).

Allele frequency attached by ClinVar (database versions not stated): TOPMed below 0.00001; gnomAD 0.00001.

Submission:

Labcorp Genetics (formerly Invitae), Labcorp
Classification: Likely pathogenic. Last evaluated: 2025-01-18. Review status: criteria provided, single submitter. Criteria: Invitae Variant Classification Sherloc (09022015). Collection method: clinical testing. Allele origin: germline.
Comment: This sequence change replaces arginine, which is basic and polar, with histidine, which is basic and polar, at codon 504 of the AMHR2 protein (p.Arg504His). This variant is present in population databases (no rsID available, gnomAD 0.003%). This missense change has been observed in individual(s) with persistent Müllerian duct syndrome (PMID: 28528332). ClinVar contains an entry for this variant (Variation ID: 2169571). Invitae Evidence Modeling of protein sequence and biophysical properties (such as structural, functional, and spatial information, amino acid conservation, physicochemical variation, residue mobility, and thermodynamic stability) indicates that this missense variant is expected to disrupt AMHR2 protein function with a positive predictive value of 95%. This variant disrupts the p.Arg504 amino acid residue in AMHR2. Other variant(s) that disrupt this residue have been determined to be pathogenic (PMID: 19457927, 33025551). This suggests that this residue is clinically significant, and that variants that disrupt this residue are likely to be disease-causing. In summary, the currently available evidence indicates that the variant is pathogenic, but additional data are needed to prove that conclusively. Therefore, this variant has been classified as Likely Pathogenic.

Literature cited by the submitters: PubMed 28528332; PubMed 19457927; PubMed 33025551.